The following is an entry in ClinVar:

ClinVar aggregate classification (germline): Uncertain significance. Review status: criteria provided, multiple submitters, no conflicts (2 of 4 stars). 2 submissions from 2 submitters: Uncertain significance (2). Last evaluated 2024-08-27.

Conditions:
Myofibrillar myopathy 5. Also called: Filaminopathy (type); FILAMINOPATHY, AUTOSOMAL DOMINANT. Identifiers: Orphanet 171445, MedGen C1836050, MONDO:0012289, OMIM 609524.
Distal myopathy with posterior leg and anterior hand involvement. Also called: WILLIAMS DISTAL MYOPATHY. Identifiers: Orphanet 63273, MedGen C3279722, MONDO:0013550, OMIM 614065.
Hypertrophic cardiomyopathy 26. Also called: Cardiomyopathy, familial hypertrophic, 26. Identifiers: Orphanet 75249, MedGen C4310749, MONDO:0014883, OMIM 617047.
Dilated Cardiomyopathy, Dominant.

Allele frequency attached by ClinVar (database versions not stated): gnomAD exomes 0.00001; ExAC 0.00002.
gnomAD v4.1: 12 of 1,614,178 alleles (0.00074%); highest among the groups gnomAD compares: South Asian, 0.011%; 1 homozygote.

Submissions (2):

Labcorp Genetics (formerly Invitae), Labcorp
Classification: Uncertain significance for Distal myopathy with posterior leg and anterior hand involvement; Myofibrillar myopathy 5; Hypertrophic cardiomyopathy 26. Last evaluated: 2024-08-27. Review status: criteria provided, single submitter. Criteria: Invitae Variant Classification Sherloc (09022015). Collection method: clinical testing. Allele origin: germline.
Comment: This sequence change replaces glycine, which is neutral and non-polar, with serine, which is neutral and polar, at codon 518 of the FLNC protein (p.Gly518Ser). This variant is present in population databases (rs766445387, gnomAD 0.01%). This variant has not been reported in the literature in individuals affected with FLNC-related conditions. ClinVar contains an entry for this variant (Variation ID: 2441498). An algorithm developed to predict the effect of missense changes on protein structure and function (PolyPhen-2) suggests that this variant¬¨‚Ä†is likely to be tolerated. In summary, the available evidence is currently insufficient to determine the role of this variant in disease. Therefore, it has been classified as a Variant of Uncertain Significance.

Revvity Omics, Revvity
Classification: Uncertain significance. Last evaluated: 2021-04-14. Review status: criteria provided, single submitter. Criteria: ACMG Guidelines, 2015. Collection method: clinical testing. Allele origin: germline.

NM_001458.5(FLNC):c.1552G>A (p.Gly518Ser)

Gene: FLNC (filamin C; plus strand). Cytogenetic location: 7q32.1.
Variant type: single nucleotide variant.
Coding change: c.1552G>A on transcript NM_001458.5 (MANE Select); coding-DNA position 1552, G replaced by A.
Protein change: p.Gly518Ser; replaces glycine 518 with serine.
Molecular consequence: missense variant.
Genome position (GRCh38, 1-based): chr7:128,840,550, G>A. VCF-style: chr7-128840550-G-A. GRCh37 (hg19) VCF-style: chr7-128480604-G-A.
Other names: c.1552G>A, p.Gly518Ser (NM_001127487.2); short protein forms G518S.
Identifiers: ClinVar variation 2441498 (VCV002441498.4), dbSNP rs766445387, ClinGen allele CA4474397.
Genomic context (GRCh38, chr7:128,840,550, plus strand): 5'-GCTGGGACTTCAAGGATATTGATCTGCCTTCTTCCCCACCCTGCCCCCATCTCCTCAGAG[G>A]GCACAGAGGAGCCAGTGAAGGTGCGGGAGGCTGGGGATGGTGTGTTCGAGTGCGAGTACT-3'
Protein context (NP_001449.3, residues 508-528): ELKVTVKGPK[Gly518Ser]TEEPVKVREA